The following is an entry in ClinVar:

ClinVar aggregate classification (germline): Uncertain significance. Review status: criteria provided, multiple submitters, no conflicts (2 of 4 stars). 2 submissions from 2 submitters: Uncertain significance (2). Last evaluated 2025-09-28.

Conditions:
Intellectual developmental disorder, X-linked 1. Also called: Atkin Flaitz Patil Smith syndrome; Intellectual disability, X-linked 1; MENTAL RETARDATION, X-LINKED 18; MENTAL RETARDATION, X-LINKED 78. Identifiers: Orphanet 777, MedGen C2931498, MONDO:0010656, OMIM 309530.
Inborn genetic diseases. Identifiers: MedGen C0950123, MeSH D030342.

Allele frequency attached by ClinVar (database versions not stated): TOPMed below 0.00001; gnomAD exomes 0.00001.

Submissions (2):

Ambry Genetics
Classification: Uncertain significance for Inborn genetic diseases. Last evaluated: 2025-09-28. Review status: criteria provided, single submitter. Criteria: Ambry Variant Classification Scheme 2023. Collection method: clinical testing. Allele origin: germline.

Labcorp Genetics (formerly Invitae), Labcorp
Classification: Uncertain significance for Intellectual developmental disorder, X-linked 1. Last evaluated: 2023-09-03. Review status: criteria provided, single submitter. Criteria: Invitae Variant Classification Sherloc (09022015). Collection method: clinical testing. Allele origin: germline.
Comment: This sequence change replaces glycine, which is neutral and non-polar, with serine, which is neutral and polar, at codon 1214 of the IQSEC2 protein (p.Gly1214Ser). This variant is not present in population databases (gnomAD no frequency). This variant has not been reported in the literature in individuals affected with IQSEC2-related conditions. Advanced modeling of protein sequence and biophysical properties (such as structural, functional, and spatial information, amino acid conservation, physicochemical variation, residue mobility, and thermodynamic stability) performed at Invitae indicates that this missense variant is not expected to disrupt IQSEC2 protein function. In summary, the available evidence is currently insufficient to determine the role of this variant in disease. Therefore, it has been classified as a Variant of Uncertain Significance.

NM_001111125.3(IQSEC2):c.3640G>A (p.Gly1214Ser)

Gene: IQSEC2 (IQ motif and Sec7 domain ArfGEF 2; minus strand). Cytogenetic location: Xp11.22.
Variant type: single nucleotide variant.
Coding change: c.3640G>A on transcript NM_001111125.3 (MANE Select); coding-DNA position 3640, G replaced by A.
Protein change: p.Gly1214Ser; replaces glycine 1214 with serine.
Molecular consequence: missense variant. On other transcripts: 3 prime UTR variant (2).
Genome position (GRCh38, 1-based): chrX:53,235,046, C>T on the plus strand (G>A on the coding strand, the complement: IQSEC2 is on the minus strand). VCF-style: chrX-53235046-C-T. GRCh37 (hg19) VCF-style: chrX-53264228-C-T.
Other names: c.*125G>A (NM_001410736.1, NM_015075.2); c.3640G>A (NM_001111125.2); short protein forms G1214S.
Identifiers: ClinVar variation 2782039 (VCV002782039.4), dbSNP rs1556859274, ClinGen allele CA413141844.